The following is an entry in ClinVar:

NM_001267550.2(TTN):c.87707-3T>C

Genes: TTN (titin; minus strand), TTN-AS1 (TTN antisense RNA 1; plus strand). Cytogenetic location: 2q31.2.
Variant type: single nucleotide variant.
Coding change: c.87707-3T>C on transcript NM_001267550.2 (MANE Select); 3 bases into the intron before coding-DNA position 87707, T replaced by C.
Molecular consequence: intron variant.
Genome position (GRCh38, 1-based): chr2:178,557,558, A>G on the plus strand (T>C on the coding strand, the complement: TTN is on the minus strand). VCF-style: chr2-178557558-A-G. GRCh37 (hg19) VCF-style: chr2-179422285-A-G.
Other names: c.60512-3T>C (NM_003319.4); c.61088-3T>C (NM_133437.4); c.60887-3T>C (NM_133432.3); c.80003-3T>C (NM_133378.4); c.82784-3T>C (NM_001256850.1).
Identifiers: ClinVar variation 1751281 (VCV001751281.2), dbSNP rs2469532545, ClinGen allele CA2577170528.

ClinVar aggregate classification (germline): Uncertain significance (1 of 4 stars; one submission).

Conditions:
Cardiovascular phenotype. Identifiers: MedGen CN230736.

Allele frequency attached by ClinVar (database versions not stated): gnomAD exomes below 0.00001.
gnomAD v4.1: 3 of 1,613,596 alleles (0.00019%); highest among the groups gnomAD compares: Non-Finnish European, 0.00025%; no homozygotes.

Submission:

Ambry Genetics
Classification: Uncertain significance for Cardiovascular phenotype. Last evaluated: 2021-03-16. Review status: criteria provided, single submitter. Criteria: Ambry Variant Classification Scheme 2023. Collection method: clinical testing. Allele origin: germline.
Comment: The c.60512-3T>C intronic variant results from a T to C substitution 3 nucleotides upstream from coding exon 156 in the TTN gene. This nucleotide position is well conserved in available vertebrate species. In silico splice site analysis predicts that this alteration will not have any significant effect on splicing. Since supporting evidence is limited at this time, the clinical significance of this alteration remains unclear.